The following is an entry in ClinVar:

NM_001042681.2(RERE):c.3158C>T (p.Pro1053Leu)

Gene: RERE (arginine-glutamic acid dipeptide repeats; minus strand). Cytogenetic location: 1p36.23.
Variant type: single nucleotide variant.
Coding change: c.3158C>T on transcript NM_001042681.2 (MANE Select); coding-DNA position 3158, C replaced by T.
Protein change: p.Pro1053Leu; replaces proline 1053 with leucine.
Molecular consequence: missense variant.
Genome position (GRCh38, 1-based): chr1:8,360,349, G>A on the plus strand (C>T on the coding strand, the complement: RERE is on the minus strand). VCF-style: chr1-8360349-G-A. GRCh37 (hg19) VCF-style: chr1-8420409-G-A.
Other names: c.1496C>T, p.Pro499Leu (NM_001042682.2); c.3158C>T, p.Pro1053Leu (NM_012102.4); short protein forms P1053L, P499L.
Identifiers: ClinVar variation 1031180 (VCV001031180.3), dbSNP rs1641510834, ClinGen allele CA338171147.

ClinVar aggregate classification (germline): Uncertain significance. Review status: criteria provided, multiple submitters, no conflicts (2 of 4 stars). 2 submissions from 2 submitters: Uncertain significance (2). Last evaluated 2022-09-06.

Conditions:
Neurodevelopmental disorder with or without anomalies of the brain, eye, or heart (NEDBEH). Identifiers: Orphanet 494344, MedGen C5567477, MONDO:0014857, OMIM 616975.
Inborn genetic diseases. Identifiers: MedGen C0950123, MeSH D030342.

Allele frequency attached by ClinVar (database versions not stated): gnomAD exomes below 0.00001.
gnomAD v4.1: 4 of 1,500,780 alleles (0.00027%); highest among the groups gnomAD compares: Non-Finnish European, 0.00036%; no homozygotes.

Submissions (2):

Ambry Genetics
Classification: Uncertain significance for Inborn genetic diseases. Last evaluated: 2022-09-06. Review status: criteria provided, single submitter. Criteria: Ambry Variant Classification Scheme 2023. Collection method: clinical testing. Allele origin: germline.

Baylor Genetics
Classification: Uncertain significance for Neurodevelopmental disorder with or without anomalies of the brain, eye, or heart. Last evaluated: 2019-09-12. Review status: criteria provided, single submitter. Criteria: ACMG Guidelines, 2015. Collection method: clinical testing. Allele origin: unknown. Affected: yes.
Comment: This variant was determined to be of uncertain significance according to ACMG Guidelines, 2015 [PMID:25741868].